The following is an entry in ClinVar:

ClinVar aggregate classification (germline): Uncertain significance. Review status: criteria provided, multiple submitters, no conflicts (2 of 4 stars). 2 submissions from 2 submitters: Uncertain significance (2). Last evaluated 2024-03-12.

Conditions:
Ichthyosis linearis circumflexa. Identifiers: MedGen C0265962, MONDO:0043106, HP:0025810.
Netherton syndrome (NETH). Also called: ERYTHRODERMA, ICHTHYOSIFORM, WITH HYPOTRICHOSIS AND HYPER-IgE; COMEL-NETHERTON SYNDROME; NETHERTON DISEASE. Identifiers: Orphanet 634, MedGen C5574950, MONDO:0009735, OMIM 256500.

Allele frequency attached by ClinVar (database versions not stated): TOPMed below 0.00001; gnomAD 0.00001; ExAC 0.00002; gnomAD exomes 0.00003; 1000 Genomes Project 30x 0.00016; 1000 Genomes Project 0.00020.
gnomAD v4.1: 18 of 1,614,004 alleles (0.0011%); highest among the groups gnomAD compares: South Asian, 0.016%; no homozygotes.

Submissions (2):

Fulgent Genetics
Classification: Uncertain significance for Netherton syndrome. Last evaluated: 2024-03-12. Review status: criteria provided, single submitter. Criteria: ACMG Guidelines, 2015. Collection method: clinical testing. Allele origin: germline.

Labcorp Genetics (formerly Invitae), Labcorp
Classification: Uncertain significance for Ichthyosis linearis circumflexa. Last evaluated: 2024-02-17. Review status: criteria provided, single submitter. Criteria: Invitae Variant Classification Sherloc (09022015). Collection method: clinical testing. Allele origin: germline.
Comment: This sequence change replaces asparagine, which is neutral and polar, with isoleucine, which is neutral and non-polar, at codon 763 of the SPINK5 protein (p.Asn763Ile). This variant is present in population databases (rs80019167, gnomAD 0.02%). This variant has not been reported in the literature in individuals affected with SPINK5-related conditions. ClinVar contains an entry for this variant (Variation ID: 1504469). Advanced modeling of protein sequence and biophysical properties (such as structural, functional, and spatial information, amino acid conservation, physicochemical variation, residue mobility, and thermodynamic stability) performed at Invitae indicates that this missense variant is not expected to disrupt SPINK5 protein function with a negative predictive value of 80%. In summary, the available evidence is currently insufficient to determine the role of this variant in disease. Therefore, it has been classified as a Variant of Uncertain Significance.

NM_006846.4(SPINK5):c.2288A>T (p.Asn763Ile)

Gene: SPINK5 (serine peptidase inhibitor Kazal type 5; plus strand). Cytogenetic location: 5q32.
Variant type: single nucleotide variant.
Coding change: c.2288A>T on transcript NM_006846.4 (MANE Select); coding-DNA position 2288, A replaced by T.
Protein change: p.Asn763Ile; replaces asparagine 763 with isoleucine.
Molecular consequence: missense variant.
Genome position (GRCh38, 1-based): chr5:148,119,033, A>T. VCF-style: chr5-148119033-A-T. GRCh37 (hg19) VCF-style: chr5-147498596-A-T.
Other names: c.2288A>T, p.Asn763Ile (NM_001127698.2, NM_001127699.2); short protein forms N763I.
Identifiers: ClinVar variation 1504469 (VCV001504469.9), dbSNP rs80019167, ClinGen allele CA3495934.